The following is an entry in ClinVar:

ClinVar aggregate classification (germline): Conflicting classifications of pathogenicity. Review status: criteria provided, conflicting classifications (1 of 4 stars). 3 submissions from 3 submitters: Uncertain significance (1); Likely benign (2). Last evaluated 2025-04-08.

Conditions:
Inborn genetic diseases. Identifiers: MedGen C0950123, MeSH D030342.
Aicardi-Goutieres syndrome 6 (AGS6). Identifiers: Orphanet 51, MedGen C3539013, MONDO:0014007, OMIM 615010.
Symmetrical dyschromatosis of extremities (DSH). Also called: DYSCHROMATOSIS SYMMETRICA HEREDITARIA 1; Dyschromatosis symmetrica hereditaria; RETICULATE ACROPIGMENTATION OF DOHI; SYMMETRIC DYSCHROMATOSIS OF THE EXTREMITIES. Identifiers: Orphanet 41, MedGen C0406775, MONDO:0007483, OMIM 127400.

Allele frequency attached by ClinVar (database versions not stated): TOPMed 0.00001; gnomAD exomes 0.00003; ExAC 0.00007; gnomAD 0.00010.
gnomAD v4.1: 60 of 1,609,688 alleles (0.0037%); highest among the groups gnomAD compares: South Asian, 0.0066%; no homozygotes.

Submissions (3):

Labcorp Genetics (formerly Invitae), Labcorp
Classification: Uncertain significance for Aicardi-Goutieres syndrome 6; Symmetrical dyschromatosis of extremities. Last evaluated: 2025-04-08. Review status: criteria provided, single submitter. Criteria: Invitae Variant Classification Sherloc (09022015). Collection method: clinical testing. Allele origin: germline.
Comment: This sequence change replaces arginine, which is basic and polar, with tryptophan, which is neutral and slightly polar, at codon 72 of the ADAR protein (p.Arg72Trp). This variant is present in population databases (rs761657434, gnomAD 0.05%). This variant has not been reported in the literature in individuals affected with ADAR-related conditions. ClinVar contains an entry for this variant (Variation ID: 2066378). An algorithm developed to predict the effect of missense changes on protein structure and function outputs the following: PolyPhen-2: "Benign". The tryptophan amino acid residue is found in multiple mammalian species, which suggests that this missense change does not adversely affect protein function. In summary, the available evidence is currently insufficient to determine the role of this variant in disease. Therefore, it has been classified as a Variant of Uncertain Significance.

Ambry Genetics
Classification: Likely benign for Inborn genetic diseases. Last evaluated: 2023-11-04. Review status: criteria provided, single submitter. Criteria: Ambry Variant Classification Scheme 2023. Collection method: clinical testing. Allele origin: germline.

Blueprint Genetics
Classification: Likely benign. Last evaluated: 2023-10-02. Review status: criteria provided, single submitter. Criteria: ACMG Guidelines, 2015. Collection method: clinical testing. Allele origin: germline.

NM_001111.5(ADAR):c.214C>T (p.Arg72Trp)

Gene: ADAR (adenosine deaminase RNA specific; minus strand). Cytogenetic location: 1q21.3.
Variant type: single nucleotide variant.
Coding change: c.214C>T on transcript NM_001111.5 (MANE Select); coding-DNA position 214, C replaced by T.
Protein change: p.Arg72Trp; replaces arginine 72 with tryptophan.
Molecular consequence: missense variant. On other transcripts: 5 prime UTR variant (6).
Genome position (GRCh38, 1-based): chr1:154,602,428, G>A on the plus strand (C>T on the coding strand, the complement: ADAR is on the minus strand). VCF-style: chr1-154602428-G-A. GRCh37 (hg19) VCF-style: chr1-154574904-G-A.
Other names: c.-672C>T (NM_001025107.3, NM_001193495.2, NM_001365048.1); c.241C>T, p.Arg81Trp (NM_001365045.1); c.-536C>T (NM_001365046.1, NM_001365047.1, NM_001365049.1); c.214C>T, p.Arg72Trp (NM_015840.4, NM_015841.4); c.214C>T (NM_001111.4); short protein forms R81W, R72W.
Identifiers: ClinVar variation 2066378 (VCV002066378.6), dbSNP rs761657434, ClinGen allele CA1131739.
Genomic context (GRCh38, chr1:154,602,428, plus strand): 5'-CCCTGATGTCCACTTGCCTGCCTCTGGTACTGGAGGCAAGTAGTACTGGAAACCTTGGCC[G>A]GAGTCCTGGGAGGGAAGGTGGCAGTGACGGTGTCTGCTTTCCAATCACCGGTGCTTCTGG-3'
Protein context (NP_001102.3, residues 62-82): PSLPPSLPGL[Arg72Trp]PRFPVLLASS